The following is an entry in ClinVar:

ClinVar aggregate classification (germline): Benign (1 of 4 stars; one submission).

Conditions:
Intellectual developmental disorder, autosomal recessive 1. Also called: Intellectual disability, autosomal recessive 1; MENTAL RETARDATION, AUTOSOMAL RECESSIVE 1. Identifiers: Orphanet 88616, MedGen C1855304, MONDO:0009580, OMIM 249500.

Allele frequency attached by ClinVar (database versions not stated): TOPMed 0.00808; gnomAD 0.00684 and 0.00737; 1000 Genomes Project 0.00859; 1000 Genomes Project 30x 0.00921.

Submission:

Illumina Laboratory Services, Illumina
Classification: Benign for Intellectual developmental disorder, autosomal recessive 1. Last evaluated: 2017-04-27. Review status: criteria provided, single submitter. Criteria: ICSL Variant Classification Criteria 13 December 2019. Collection method: clinical testing. Allele origin: germline.
Comment: This variant was observed as part of a predisposition screen in an ostensibly healthy population. A literature search was performed for the gene, cDNA change, and amino acid change (where applicable). No publications were found based on this search. Allele frequency data from public databases was too high to be consistent with this variant causing disease. Therefore, this variant is classified as benign.

NM_003619.4(PRSS12):c.*912G>A

Gene: PRSS12 (serine protease 12; minus strand). Cytogenetic location: 4q26.
Variant type: single nucleotide variant.
Coding change: c.*912G>A on transcript NM_003619.4 (MANE Select); 912 bases downstream of the stop codon, G replaced by A.
Molecular consequence: 3 prime UTR variant.
Genome position (GRCh38, 1-based): chr4:118,281,024, C>T on the plus strand (G>A on the coding strand, the complement: PRSS12 is on the minus strand). VCF-style: chr4-118281024-C-T. GRCh37 (hg19) VCF-style: chr4-119202179-C-T.
Identifiers: ClinVar variation 899598 (VCV000899598.4), dbSNP rs10212745, ClinGen allele CA104657969.